The following is an entry in ClinVar:

ClinVar aggregate classification (germline): Uncertain significance (1 of 4 stars; one submission).

Submission:

GeneDx
Classification: Uncertain significance. Last evaluated: 2025-07-19. Review status: criteria provided, single submitter. Criteria: GeneDx Variant Classification Process June 2021. Collection method: clinical testing. Allele origin: germline. Affected: yes.
Comment: Not observed at significant frequency in large population cohorts (gnomAD); In silico analysis suggests that this missense variant does not alter protein structure/function; Has not been previously published as pathogenic or benign to our knowledge

NM_014727.3(KMT2B):c.1970C>T (p.Ala657Val)

Gene: KMT2B (lysine methyltransferase 2B; plus strand). Cytogenetic location: 19q13.12.
Variant type: single nucleotide variant.
Coding change: c.1970C>T on transcript NM_014727.3 (MANE Select); coding-DNA position 1970, C replaced by T.
Protein change: p.Ala657Val; replaces alanine 657 with valine.
Molecular consequence: missense variant.
Genome position (GRCh38, 1-based): chr19:35,721,317, C>T. VCF-style: chr19-35721317-C-T. GRCh37 (hg19) VCF-style: chr19-36212219-C-T.
Other names: short protein forms A657V.
Identifiers: ClinVar variation 4686459 (VCV004686459.1).
Genomic context (GRCh38, chr19:35,721,317, plus strand): 5'-CTGCCACCTCCTCCCGGAGGCCCCTACTCCTTCGGGCCCCTCAGTTTACCCCAAGCGAAG[C>T]CCACCTGAAGATCTACGAATCGGTGCTTACTCCTCCTCCTCTTGGGGCTCCTGAAGCCCC-3'
Protein context (NP_055542.1, residues 647-667): LRAPQFTPSE[Ala657Val]HLKIYESVLT